The following is an entry in ClinVar:

ClinVar aggregate classification (germline): Conflicting classifications of pathogenicity. Review status: criteria provided, conflicting classifications (1 of 4 stars). 6 submissions from 6 submitters: Uncertain significance (4); Likely benign (2). Last evaluated 2025-07-22.

Conditions:
Hereditary cancer-predisposing syndrome. Also called: Tumor predisposition; Neoplastic Syndromes, Hereditary; Hereditary neoplastic syndrome; Hereditary Cancer Syndrome. Identifiers: Orphanet 140162, MedGen C0027672, MeSH D009386, MONDO:0015356.
Hereditary breast ovarian cancer syndrome. Also called: Hereditary breast and ovarian cancer syndrome; Hereditary breast and ovarian cancer syndrome (HBOC); Hereditary breast and ovarian cancer; Breast and ovarian cancer; BRCA1- and BRCA2-Associated Hereditary Breast and Ovarian Cancer; Hereditary breast and/or ovarian cancer syndrome. Identifiers: Orphanet 145, MedGen C0677776, MeSH D061325, MONDO:0003582. Disease mechanism: loss of function.

Allele frequency attached by ClinVar (database versions not stated): gnomAD 0.00001; gnomAD exomes below 0.00001.
gnomAD v4.1: 3 of 1,613,538 alleles (0.00019%); highest among the groups gnomAD compares: African/African-American, 0.0013%; no homozygotes.

Submissions (6):

Labcorp Genetics (formerly Invitae), Labcorp
Classification: Uncertain significance for Hereditary breast ovarian cancer syndrome. Last evaluated: 2025-07-22. Review status: criteria provided, single submitter. Criteria: Invitae Variant Classification Sherloc (09022015). Collection method: clinical testing. Allele origin: germline.
Comment: This sequence change replaces valine, which is neutral and non-polar, with isoleucine, which is neutral and non-polar, at codon 2468 of the BRCA2 protein (p.Val2468Ile). This variant is not present in population databases (gnomAD no frequency). This missense change has been observed in individual(s) with hereditary breast and ovarian cancer (PMID: 29310832). ClinVar contains an entry for this variant (Variation ID: 182237). Invitae Evidence Modeling of protein sequence and biophysical properties (such as structural, functional, and spatial information, amino acid conservation, physicochemical variation, residue mobility, and thermodynamic stability) indicates that this missense variant is not expected to disrupt BRCA2 protein function with a negative predictive value of 95%. In summary, the available evidence is currently insufficient to determine the role of this variant in disease. Therefore, it has been classified as a Variant of Uncertain Significance.

Blueprint Genetics
Classification: Likely benign. Last evaluated: 2024-09-30. Review status: criteria provided, single submitter. Criteria: ACMG Guidelines, 2015. Collection method: clinical testing. Allele origin: germline.

GeneDx
Classification: Uncertain significance. Last evaluated: 2023-06-28. Review status: criteria provided, single submitter. Criteria: GeneDx Variant Classification Process June 2021. Collection method: clinical testing. Allele origin: germline. Affected: yes.
Comment: Observed in at least one individual referred for hereditary cancer genetic testing (Apessos et al., 2018); Not observed at significant frequency in large population cohorts (gnomAD); In silico analysis supports that this missense variant does not alter protein structure/function; Also known as 7630G>A; This variant is associated with the following publications: (PMID: 23525077, 32377563, 29884841, 29310832)

Color Diagnostics, LLC DBA Color Health
Classification: Uncertain significance for Hereditary cancer-predisposing syndrome. Last evaluated: 2022-08-08. Review status: criteria provided, single submitter. Criteria: ACMG Guidelines, 2015. Collection method: clinical testing. Allele origin: germline.
Comment: This missense variant replaces valine with isoleucine at codon 2468 of the BRCA2 protein. Computational prediction suggests that this variant may not impact protein structure and function (internally defined REVEL score threshold <= 0.5, PMID: 27666373). To our knowledge, functional studies have not been reported for this variant. This variant has been reported in 1 family with suspected hereditary breast and ovarian cancer syndrome (PMID: 29310832). This variant has not been identified in the general population by the Genome Aggregation Database (gnomAD). The available evidence is insufficient to determine the role of this variant in disease conclusively. Therefore, this variant is classified as a Variant of Uncertain Significance.

Women's Health and Genetics/Laboratory Corporation of America, LabCorp
Classification: Uncertain significance. Last evaluated: 2020-05-07. Review status: criteria provided, single submitter. Criteria: LabCorp Variant Classification Summary - May 2015. Collection method: clinical testing. Allele origin: germline.
Comment: Variant summary: BRCA2 c.7402G>A (p.Val2468Ile) results in a conservative amino acid change located in the Breast cancer type 2 susceptibility protein, helical domain (IPR015252) of the encoded protein sequence. Five of five in-silico tools predict a benign effect of the variant on protein function. The variant was absent in 251032 control chromosomes (gnomAD). The available data on variant occurrences in the general population are insufficient to allow any conclusion about variant significance. c.7402G>A has been reported in the literature in at least one individual affected with Hereditary Breast and Ovarian Cancer Syndrome (Apessos_2018). This report however, does not provide unequivocal conclusions about association of the variant with Hereditary Breast and Ovarian Cancer Syndrome. To our knowledge, no experimental evidence demonstrating an impact on protein function has been reported. Four ClinVar submitters (evaluation after 2014) cite the variant as uncertain significance. Based on the evidence outlined above, the variant was classified as uncertain significance.

Ambry Genetics
Classification: Likely benign for Hereditary cancer-predisposing syndrome. Last evaluated: 2020-01-10. Review status: criteria provided, single submitter. Criteria: Ambry Variant Classification Scheme 2023. Collection method: clinical testing. Allele origin: germline.

Literature cited by the submitters: PubMed 29310832 (cited by 4 submitters).

NM_000059.4(BRCA2):c.7402G>A (p.Val2468Ile)

Gene: BRCA2 (BRCA2 DNA repair associated; plus strand). Cytogenetic location: 13q13.1.
Variant type: single nucleotide variant.
Coding change: c.7402G>A on transcript NM_000059.4 (MANE Select); coding-DNA position 7402, G replaced by A.
Protein change: p.Val2468Ile; replaces valine 2468 with isoleucine.
Molecular consequence: missense variant.
Genome position (GRCh38, 1-based): chr13:32,355,255, G>A. VCF-style: chr13-32355255-G-A. GRCh37 (hg19) VCF-style: chr13-32929392-G-A.
Other names: p.V2468I:GTA>ATA; short protein forms V2468I.
Identifiers: ClinVar variation 182237 (VCV000182237.27), dbSNP rs730881553, ClinGen allele CA025055.